The following is an entry in ClinVar:

ClinVar aggregate classification (germline): Uncertain significance. Review status: criteria provided, multiple submitters, no conflicts (2 of 4 stars). 2 submissions from 2 submitters: Uncertain significance (2). Last evaluated 2023-12-02.

Conditions:
Hereditary cancer-predisposing syndrome. Also called: Neoplastic Syndromes, Hereditary; Tumor predisposition; Hereditary neoplastic syndrome; Hereditary Cancer Syndrome. Identifiers: Orphanet 140162, MedGen C0027672, MeSH D009386, MONDO:0015356.
Parathyroid carcinoma (PRTC). Also called: Parathyroid gland carcinoma; CDC73-Related Parathyroid Carcinoma. Identifiers: Orphanet 143, MedGen C0687150, MONDO:0012004, OMIM 608266, HP:0006780.

Allele frequency attached by ClinVar (database versions not stated): gnomAD exomes 0.00001.
gnomAD v4.1: 11 of 1,605,892 alleles (0.00068%); highest among the groups gnomAD compares: African/African-American, 0.0013%; no homozygotes.

Submissions (2):

Labcorp Genetics (formerly Invitae), Labcorp
Classification: Uncertain significance for Parathyroid carcinoma. Last evaluated: 2023-12-02. Review status: criteria provided, single submitter. Criteria: Invitae Variant Classification Sherloc (09022015). Collection method: clinical testing. Allele origin: germline.
Comment: This sequence change replaces isoleucine, which is neutral and non-polar, with valine, which is neutral and non-polar, at codon 363 of the CDC73 protein (p.Ile363Val). This variant is not present in population databases (gnomAD no frequency). This variant has not been reported in the literature in individuals affected with CDC73-related conditions. ClinVar contains an entry for this variant (Variation ID: 1388547). Advanced modeling of protein sequence and biophysical properties (such as structural, functional, and spatial information, amino acid conservation, physicochemical variation, residue mobility, and thermodynamic stability) performed at Invitae indicates that this missense variant is not expected to disrupt CDC73 protein function with a negative predictive value of 80%. In summary, the available evidence is currently insufficient to determine the role of this variant in disease. Therefore, it has been classified as a Variant of Uncertain Significance.

Ambry Genetics
Classification: Uncertain significance for Hereditary cancer-predisposing syndrome. Last evaluated: 2023-03-27. Review status: criteria provided, single submitter. Criteria: Ambry Variant Classification Scheme 2023. Collection method: clinical testing. Allele origin: germline.
Comment: The p.I363V variant (also known as c.1087A>G), located in coding exon 13 of the CDC73 gene, results from an A to G substitution at nucleotide position 1087. The isoleucine at codon 363 is replaced by valine, an amino acid with highly similar properties. This amino acid position is conserved. In addition, this alteration is predicted to be tolerated by in silico analysis. Since supporting evidence is limited at this time, the clinical significance of this alteration remains unclear.

NM_024529.5(CDC73):c.1087A>G (p.Ile363Val)

Gene: CDC73 (cell division cycle 73; plus strand). Cytogenetic location: 1q31.2.
Variant type: single nucleotide variant.
Coding change: c.1087A>G on transcript NM_024529.5 (MANE Select); coding-DNA position 1087, A replaced by G.
Protein change: p.Ile363Val; replaces isoleucine 363 with valine.
Molecular consequence: missense variant.
Genome position (GRCh38, 1-based): chr1:193,212,410, A>G. VCF-style: chr1-193212410-A-G. GRCh37 (hg19) VCF-style: chr1-193181540-A-G.
Other names: c.1087A>G (NM_024529.4); short protein forms I363V.
Identifiers: ClinVar variation 1388547 (VCV001388547.8), dbSNP rs2102038517, ClinGen allele CA344077546.